The following is an entry in ClinVar:

ClinVar aggregate classification (germline): Uncertain significance (1 of 4 stars; one submission).

Conditions:
NSD1-related disorder. Also called: NSD1-related condition.

Submission:

PreventionGenetics, part of Exact Sciences
Classification: Uncertain significance for NSD1-related condition. Last evaluated: 2023-07-11. Review status: criteria provided, single submitter. Criteria: ACMG Guidelines, 2015. Collection method: clinical testing. Allele origin: germline.
Comment: The NSD1 c.2358G>C variant is predicted to result in the amino acid substitution p.Lys786Asn. To our knowledge, this variant has not been reported in the literature or in a large population database, indicating this variant is rare. At this time, the clinical significance of this variant is uncertain due to the absence of conclusive functional and genetic evidence.

NM_022455.5(NSD1):c.2358G>C (p.Lys786Asn)

Gene: NSD1 (nuclear receptor binding SET domain protein 1; plus strand). Cytogenetic location: 5q35.3.
Variant type: single nucleotide variant.
Coding change: c.2358G>C on transcript NM_022455.5 (MANE Select); coding-DNA position 2358, G replaced by C.
Protein change: p.Lys786Asn; replaces lysine 786 with asparagine.
Molecular consequence: missense variant.
Genome position (GRCh38, 1-based): chr5:177,210,757, G>C. VCF-style: chr5-177210757-G-C. GRCh37 (hg19) VCF-style: chr5-176637758-G-C.
Other names: c.1485G>C, p.Lys495Asn (NM_001365684.2, NM_001409306.1, NM_001409307.1 and 3 more transcripts); c.2358G>C, p.Lys786Asn (NM_001409301.1, NM_001409302.1, NM_001409303.1); c.1938G>C, p.Lys646Asn (NM_001409304.1); c.1605G>C, p.Lys535Asn (NM_001409305.1); short protein forms K495N, K535N, K646N, K786N.
Identifiers: ClinVar variation 2631270 (VCV002631270.1), dbSNP rs2480453855, ClinGen allele CA362315567.